The following is an entry in ClinVar:

NM_001854.4(COL11A1):c.4627A>C (p.Ile1543Leu)

Gene: COL11A1 (collagen type XI alpha 1 chain; minus strand). Cytogenetic location: 1p21.1.
Variant type: single nucleotide variant.
Coding change: c.4627A>C on transcript NM_001854.4 (MANE Select); coding-DNA position 4627, A replaced by C.
Protein change: p.Ile1543Leu; replaces isoleucine 1543 with leucine.
Molecular consequence: missense variant. On other transcripts: non-coding transcript variant (1).
Genome position (GRCh38, 1-based): chr1:102,887,038, T>G on the plus strand (A>C on the coding strand, the complement: COL11A1 is on the minus strand). VCF-style: chr1-102887038-T-G. GRCh37 (hg19) VCF-style: chr1-103352594-T-G.
Other names: c.4510A>C, p.Ile1504Leu (NM_001190709.2); c.4663A>C, p.Ile1555Leu (NM_080629.3); c.4279A>C, p.Ile1427Leu (NM_080630.4); short protein forms I1555L, I1543L, I1504L, I1427L.
Identifiers: ClinVar variation 291498 (VCV000291498.17), dbSNP rs558548172, ClinGen allele CA973450.

ClinVar aggregate classification (germline): Conflicting classifications of pathogenicity. Review status: criteria provided, conflicting classifications (1 of 4 stars). 10 submissions from 9 submitters: Uncertain significance (4); Likely benign (2). 4 of the submissions do not count toward it. Last evaluated 2025-11-25.

Conditions:
COL11A1-related disorder. Also called: COL11A1-related condition; COL11A1-related disorders.
Stickler syndrome type 2 (STL2). Also called: STICKLER SYNDROME, TYPE II; STICKLER SYNDROME, BEADED VITREOUS TYPE; STICKLER SYNDROME, VITREOUS TYPE 2; COL11A1-Related Stickler Syndrome. Identifiers: Orphanet 828, Orphanet 90654, MedGen C1858084, MONDO:0011493, OMIM 604841.
Fibrochondrogenesis 1 (FBCG1). Identifiers: Orphanet 2021, MedGen C3278138, MONDO:0009226, OMIM 228520.

Allele frequency attached by ClinVar (database versions not stated): ExAC 0.00001; gnomAD 0.00003 and 0.00004; TOPMed 0.00004.
gnomAD v4.1: 89 of 1,613,792 alleles (0.0055%); highest among the groups gnomAD compares: Non-Finnish European, 0.0074%; no homozygotes.

Submissions (10):

Labcorp Genetics (formerly Invitae), Labcorp
Classification: Likely benign. Last evaluated: 2025-11-25. Review status: criteria provided, single submitter. Criteria: Invitae Variant Classification Sherloc (09022015). Collection method: clinical testing. Allele origin: germline.

PreventionGenetics, part of Exact Sciences
Classification: Uncertain significance for COL11A1-related condition. Last evaluated: 2024-12-18. Review status: criteria provided, single submitter. Criteria: ACMG Guidelines, 2015. Collection method: clinical testing. Allele origin: germline.
Comment: The COL11A1 c.4627A>C variant is predicted to result in the amino acid substitution p.Ile1543Leu. To our knowledge, this variant has not been reported in the literature. This variant is reported in 0.013% of alleles in individuals of European (Non-Finnish) descent in gnomAD. At this time, the clinical significance of this variant is uncertain due to the absence of conclusive functional and genetic evidence.

Blueprint Genetics
Classification: Likely benign. Last evaluated: 2023-10-23. Review status: criteria provided, single submitter. Criteria: ACMG Guidelines, 2015. Collection method: clinical testing. Allele origin: germline.

GeneDx
Classification: Uncertain significance. Last evaluated: 2020-01-31. Review status: criteria provided, single submitter. Criteria: GeneDx Variant Classification Process June 2021. Collection method: clinical testing. Allele origin: germline. Affected: yes.
Comment: Has not been previously published as pathogenic or benign to our knowledge; In silico analysis supports that this missense variant does not alter protein structure/function

Illumina Laboratory Services, Illumina
Classification: Uncertain significance for Stickler syndrome type 2. Last evaluated: 2018-01-13. Review status: criteria provided, single submitter. Criteria: ICSL Variant Classification Criteria 13 December 2019. Collection method: clinical testing. Allele origin: germline.

Illumina Laboratory Services, Illumina
Classification: Uncertain significance for Fibrochondrogenesis 1. Last evaluated: 2018-01-13. Review status: criteria provided, single submitter. Criteria: ICSL Variant Classification Criteria 13 December 2019. Collection method: clinical testing. Allele origin: germline.

Clinical Genetics DNA and cytogenetics Diagnostics Lab, Erasmus MC, Erasmus Medical Center
Classification: Uncertain significance. Review status: no assertion criteria provided. Collection method: clinical testing. Allele origin: germline. Affected: yes. Study: VKGL Data-share Consensus. Not counted in ClinVar's aggregate classification.

Diagnostic Laboratory, Department of Genetics, University Medical Center Groningen
Classification: Uncertain significance. Review status: no assertion criteria provided. Collection method: clinical testing. Allele origin: germline. Affected: yes. Study: VKGL Data-share Consensus. Not counted in ClinVar's aggregate classification.

Genome Diagnostics Laboratory, Amsterdam University Medical Center
Classification: Uncertain significance. Review status: no assertion criteria provided. Collection method: clinical testing. Allele origin: germline. Affected: yes. Study: VKGL Data-share Consensus. Not counted in ClinVar's aggregate classification.

Joint Genome Diagnostic Labs from Nijmegen and Maastricht, Radboudumc and MUMC+
Classification: Uncertain significance. Review status: no assertion criteria provided. Collection method: clinical testing. Allele origin: germline. Affected: yes. Study: VKGL Data-share Consensus. Not counted in ClinVar's aggregate classification.